The following is an entry in ClinVar:

ClinVar aggregate classification (germline): Uncertain significance (1 of 4 stars; one submission).

Conditions:
Generalized epilepsy with febrile seizures plus, type 7 (GEFSP7). Also called: GEFS+, TYPE 7. Identifiers: Orphanet 36387, MedGen C2751778, MONDO:0013470, OMIM 613863.
Neuropathy, hereditary sensory and autonomic, type 2A (HSAN2A). Also called: HSAN IIA; WNK1-Related HSAN2 (HSAN2A); MORVAN DISEASE; NEUROPATHY, CONGENITAL SENSORY; NEUROPATHY, HEREDITARY SENSORY RADICULAR, AUTOSOMAL RECESSIVE; NEUROPATHY, HEREDITARY SENSORY, TYPE IIA. Identifiers: Orphanet 970, MedGen C2752089, MONDO:0024309, OMIM 201300.

Allele frequency attached by ClinVar (database versions not stated): TOPMed below 0.00001; gnomAD 0.00001.
gnomAD v4.1: 1 of 1,613,286 alleles (0.000062%); highest among the groups gnomAD compares: African/African-American, 0.0013%; no homozygotes.

Submission:

Labcorp Genetics (formerly Invitae), Labcorp
Classification: Uncertain significance for Neuropathy, hereditary sensory and autonomic, type 2A; Generalized epilepsy with febrile seizures plus, type 7. Last evaluated: 2022-07-06. Review status: criteria provided, single submitter. Criteria: Invitae Variant Classification Sherloc (09022015). Collection method: clinical testing. Allele origin: germline.
Comment: In summary, the available evidence is currently insufficient to determine the role of this variant in disease. Therefore, it has been classified as a Variant of Uncertain Significance. Algorithms developed to predict the effect of missense changes on protein structure and function are either unavailable or do not agree on the potential impact of this missense change (SIFT: "Deleterious"; PolyPhen-2: "Probably Damaging"; Align-GVGD: "Class C0"). ClinVar contains an entry for this variant (Variation ID: 1444522). This variant has not been reported in the literature in individuals affected with SCN9A-related conditions. This variant is present in population databases (no rsID available, gnomAD 0.01%). This sequence change replaces leucine, which is neutral and non-polar, with phenylalanine, which is neutral and non-polar, at codon 238 of the SCN9A protein (p.Leu238Phe).

NM_001365536.1(SCN9A):c.714G>T (p.Leu238Phe)

Gene: SCN9A (sodium voltage-gated channel alpha subunit 9; minus strand). Cytogenetic location: 2q24.3.
Variant type: single nucleotide variant.
Coding change: c.714G>T on transcript NM_001365536.1 (MANE Select); coding-DNA position 714, G replaced by T.
Protein change: p.Leu238Phe; replaces leucine 238 with phenylalanine.
Molecular consequence: missense variant.
Genome position (GRCh38, 1-based): chr2:166,303,277, C>A on the plus strand (G>T on the coding strand, the complement: SCN9A is on the minus strand). VCF-style: chr2-166303277-C-A. GRCh37 (hg19) VCF-style: chr2-167159787-C-A.
Other names: c.714G>T, p.Leu238Phe (NM_002977.4); short protein forms L238F.
Identifiers: ClinVar variation 1444522 (VCV001444522.7), dbSNP rs1259872053, ClinGen allele CA349093187.